The following is an entry in ClinVar:

NM_001164508.2(NEB):c.14811T>C (p.Ala4937=)

Gene: NEB (nebulin; minus strand). Cytogenetic location: 2q23.3.
Variant type: single nucleotide variant.
Coding change: c.14811T>C on transcript NM_001164508.2 (MANE Select); coding-DNA position 14811, T replaced by C.
Protein change: p.Ala4937=; no amino-acid change (alanine 4937 retained).
Molecular consequence: synonymous variant. On other transcripts: intron variant (1).
Genome position (GRCh38, 1-based): chr2:151,592,049, A>G on the plus strand (T>C on the coding strand, the complement: NEB is on the minus strand). VCF-style: chr2-151592049-A-G. GRCh37 (hg19) VCF-style: chr2-152448563-A-G.
Other names: c.14811T>C, p.Ala4937= (NM_001164507.2, NM_001271208.2); c.11602-15695T>C (NM_004543.5).
Identifiers: ClinVar variation 257745 (VCV000257745.5), dbSNP rs71415153, ClinGen allele CA1908476.

ClinVar aggregate classification (germline): Likely benign. Review status: criteria provided, multiple submitters, no conflicts (2 of 4 stars). 3 submissions from 3 submitters: Likely benign (3). Last evaluated 2021-04-19.

Allele frequency attached by ClinVar (database versions not stated): gnomAD exomes 0.00120 and 0.00327; gnomAD 0.00233 and 0.00296; ExAC 0.00028.
gnomAD v4.1: 2,202 of 1,547,756 alleles (0.14%); highest among the groups gnomAD compares: East Asian, 3.2%; 42 homozygotes.

Submissions (3):

GeneDx
Classification: Likely benign. Last evaluated: 2021-04-19. Review status: criteria provided, single submitter. Criteria: GeneDx Variant Classification Process June 2021. Collection method: clinical testing. Allele origin: germline. Affected: yes.
Comment: This variant is associated with the following publications: (PMID: 25203624)

Breakthrough Genomics
Classification: Likely benign. Review status: criteria provided, single submitter. Criteria: ACMG Guidelines, 2015. Collection method: not provided. Allele origin: germline. Inheritance: Autosomal recessive inheritance. Affected: yes.

PreventionGenetics, part of Exact Sciences
Classification: Likely benign. Review status: criteria provided, single submitter. Criteria: ACMG Guidelines, 2015. Collection method: clinical testing. Allele origin: germline.